The following is an entry in ClinVar:

ClinVar aggregate classification (germline): Pathogenic (1 of 4 stars; one submission).

Conditions:
Isolated microphthalmia 5. Also called: Posterior Microphthalmia with Retinitis Pigmentosa, Foveoschisis, and Optic Disc Drusen. Identifiers: Orphanet 251279, MedGen C1970236, MONDO:0012605, OMIM 611040.

gnomAD v4.1: 22 of 1,613,852 alleles (0.0014%); highest among the groups gnomAD compares: Non-Finnish European, 0.0019%; no homozygotes.

Submission:

Labcorp Genetics (formerly Invitae), Labcorp
Classification: Pathogenic for Isolated microphthalmia 5. Last evaluated: 2023-03-23. Review status: criteria provided, single submitter. Criteria: Invitae Variant Classification Sherloc (09022015). Collection method: clinical testing. Allele origin: germline.
Comment: This sequence change affects a donor splice site in intron 9 of the MFRP gene. It is expected to disrupt RNA splicing. Variants that disrupt the donor or acceptor splice site typically lead to a loss of protein function (PMID: 16199547), and loss-of-function variants in MFRP are known to be pathogenic (PMID: 12140190, 15976030, 20361016). This variant is not present in population databases (gnomAD no frequency). Disruption of this splice site has been observed in individual(s) with microphthalmos and retinal dystrophy (PMID: 32703043). It has also been observed to segregate with disease in related individuals. Algorithms developed to predict the effect of sequence changes on RNA splicing suggest that this variant may disrupt the consensus splice site. For these reasons, this variant has been classified as Pathogenic.

Literature cited by the submitters: PubMed 16199547; PubMed 12140190; PubMed 15976030; PubMed 20361016; PubMed 32703043.

NM_031433.4(MFRP):c.1124+1G>A

Genes: C1QTNF5 (C1q and TNF related 5; minus strand), MFRP (membrane frizzled-related protein; minus strand). Cytogenetic location: 11q23.3.
Variant type: single nucleotide variant.
Coding change: c.1124+1G>A on transcript NM_031433.4 (MANE Select); the canonical splice donor site of the intron after coding-DNA position 1124, G replaced by A.
Molecular consequence: splice donor variant.
Genome position (GRCh38, 1-based): chr11:119,343,815, C>T on the plus strand (G>A on the coding strand, the complement: MFRP is on the minus strand). VCF-style: chr11-119343815-C-T. GRCh37 (hg19) VCF-style: chr11-119214525-C-T.
Other names: c.-1513+1G>A (NM_015645.5).
Identifiers: ClinVar variation 2724828 (VCV002724828.3), dbSNP rs145719998, ClinGen allele CA382974639.